The following is an entry in ClinVar:

NM_005247.4(FGF3):c.173T>C (p.Leu58Pro)

Genes: FGF3 (fibroblast growth factor 3; minus strand), LOC109115964 (FGF3 5' regulatory region; plus strand). Cytogenetic location: 11q13.3.
Variant type: single nucleotide variant.
Coding change: c.173T>C on transcript NM_005247.4 (MANE Select); coding-DNA position 173, T replaced by C.
Protein change: p.Leu58Pro; replaces leucine 58 with proline.
Molecular consequence: missense variant.
Genome position (GRCh38, 1-based): chr11:69,818,761, A>G on the plus strand (T>C on the coding strand, the complement: FGF3 is on the minus strand). VCF-style: chr11-69818761-A-G. GRCh37 (hg19) VCF-style: chr11-69633529-A-G.
Other names: short protein forms L58P.
Identifiers: ClinVar variation 2418976 (VCV002418976.7), dbSNP rs2539183181, ClinGen allele CA381664423.

ClinVar aggregate classification (germline): Uncertain significance (1 of 4 stars; one submission).

Submission:

Labcorp Genetics (formerly Invitae), Labcorp
Classification: Uncertain significance. Last evaluated: 2022-06-26. Review status: criteria provided, single submitter. Criteria: Invitae Variant Classification Sherloc (09022015). Collection method: clinical testing. Allele origin: germline.
Comment: In summary, the available evidence is currently insufficient to determine the role of this variant in disease. Therefore, it has been classified as a Variant of Uncertain Significance. This sequence change replaces leucine, which is neutral and non-polar, with proline, which is neutral and non-polar, at codon 58 of the FGF3 protein (p.Leu58Pro). This variant is not present in population databases (gnomAD no frequency). This missense change has been observed in individual(s) with labyrinthine aplasia, microtia, and microdontia syndrome (PMID: 31336982). In at least one individual the data is consistent with being in trans (on the opposite chromosome) from a pathogenic variant. Algorithms developed to predict the effect of missense changes on protein structure and function are either unavailable or do not agree on the potential impact of this missense change (SIFT: "Deleterious"; PolyPhen-2: "Probably Damaging"; Align-GVGD: "Class C0").

Literature cited by the submitters: PubMed 31336982.